The following is an entry in ClinVar:

ClinVar aggregate classification (germline): Benign. Review status: reviewed by expert panel (3 of 4 stars). 23 submissions from 23 submitters: Benign (1). 22 of the submissions do not count toward it. Last evaluated 2015-08-10.

Conditions:
Hereditary cancer-predisposing syndrome. Also called: Tumor predisposition; Neoplastic Syndromes, Hereditary; Hereditary Cancer Syndrome; Hereditary neoplastic syndrome. Identifiers: Orphanet 140162, MedGen C0027672, MeSH D009386, MONDO:0015356.
Hereditary breast ovarian cancer syndrome. Also called: Hereditary breast and ovarian cancer syndrome (HBOC); Hereditary breast and ovarian cancer syndrome; Hereditary breast and ovarian cancer; Hereditary breast and/or ovarian cancer syndrome; Breast and ovarian cancer; BRCA1- and BRCA2-Associated Hereditary Breast and Ovarian Cancer. Identifiers: Orphanet 145, MedGen C0677776, MeSH D061325, MONDO:0003582. Disease mechanism: loss of function.
Breast-ovarian cancer, familial, susceptibility to, 1 (BROVCA1). Also called: OVARIAN CANCER, SUSCEPTIBILITY TO; BRCA1 Hereditary Breast and Ovarian Cancer. Identifiers: Orphanet 145, MedGen C2676676, MONDO:0011450, OMIM 604370. Disease mechanism: loss of function.
Familial cancer of breast. Also called: Hereditary breast cancer; hereditary breast carcinoma; BREAST CANCER, FAMILIAL. Identifiers: Orphanet 227535, MedGen C0346153, MONDO:0016419, OMIM 114480. Disease mechanism: loss of function.
Malignant tumor of breast. Also called: Malignant breast neoplasm; Cancer breast. Identifiers: MedGen C0006142, MONDO:0007254. Disease mechanism: loss of function.

Allele frequency attached by ClinVar (database versions not stated): ESP Exome Variant Server 0.00062; 1000 Genomes Project 30x 0.00078; 1000 Genomes Project 0.00100; TOPMed 0.00103.
gnomAD v4.1: 271 of 1,610,802 alleles (0.017%); highest among the groups gnomAD compares: African/African-American, 0.3%; 2 homozygotes.

Submissions 1 to 20 of 25:

Evidence-based Network for the Interpretation of Germline Mutant Alleles (ENIGMA)
Classification: Benign for Breast-ovarian cancer, familial 1. Last evaluated: 2015-08-10. Review status: reviewed by expert panel. Criteria: ENIGMA BRCA1/2 Classification Criteria (2015). Collection method: curation. Allele origin: germline.
Comment: IARC class based on posterior probability from multifactorial likelihood analysis, thresholds for class as per Plon et al. 2008 (PMID: 18951446). Class 1 based on posterior probability = 0.000301. Also class 1 based on frequency >1% in an outbred sampleset. Frequency 0.0122 (African), derived from 1000 genomes (2012-04-30).

Labcorp Genetics (formerly Invitae), Labcorp
Classification: Benign for Hereditary breast ovarian cancer syndrome. Last evaluated: 2026-01-31. Review status: criteria provided, single submitter. Criteria: Invitae Variant Classification Sherloc (09022015). Collection method: clinical testing. Allele origin: germline. Not counted in ClinVar's aggregate classification.

Mayo Clinic Laboratories, Mayo Clinic
Classification: Benign. Last evaluated: 2025-05-27. Review status: criteria provided, single submitter. Criteria: ACMG Guidelines, 2015. Collection method: clinical testing. Allele origin: germline. Observed: 2 variant alleles. Not counted in ClinVar's aggregate classification.
Comment: BA1, BP4

KCCC/NGS Laboratory, Kuwait Cancer Control Center
Classification: Benign for Breast-ovarian cancer, familial, susceptibility to, 1. Last evaluated: 2025-02-01. Review status: criteria provided, single submitter. Criteria: ACMG Guidelines, 2015. Collection method: clinical testing. Allele origin: germline. Affected: no. Not counted in ClinVar's aggregate classification.

ARUP Laboratories, Molecular Genetics and Genomics, ARUP Laboratories
Classification: Benign. Last evaluated: 2024-12-26. Review status: criteria provided, single submitter. Criteria: ARUP Molecular Germline Variant Investigation Process 2024. Collection method: clinical testing. Allele origin: germline. Not counted in ClinVar's aggregate classification.

Blueprint Genetics
Classification: Likely benign. Last evaluated: 2024-11-27. Review status: criteria provided, single submitter. Criteria: ACMG Guidelines, 2015. Collection method: clinical testing. Allele origin: germline. Not counted in ClinVar's aggregate classification.

National Health Laboratory Service, Universitas Academic Hospital and University of the Free State
Classification: Likely benign for Hereditary breast ovarian cancer syndrome. Last evaluated: 2022-04-19. Review status: criteria provided, single submitter. Criteria: ACMG Guidelines, 2015. Collection method: clinical testing. Allele origin: germline. Affected: yes. Observed: 18 variant alleles. Not counted in ClinVar's aggregate classification.

GeneDx
Classification: Likely benign. Last evaluated: 2021-06-17. Review status: criteria provided, single submitter. Criteria: GeneDx Variant Classification Process June 2021. Collection method: clinical testing. Allele origin: germline. Affected: yes. Not counted in ClinVar's aggregate classification.
Comment: This variant is associated with the following publications: (PMID: 26287763, 21523855, 22034289, 22505045, 16267036, 21673748, 17924331, 21990134, 23893897, 25556971, 30209399, 31143303)

Sema4
Classification: Benign for Hereditary cancer-predisposing syndrome. Last evaluated: 2020-09-01. Review status: criteria provided, single submitter. Criteria: Sema4 Curation Guidelines. Collection method: curation. Allele origin: germline. Not counted in ClinVar's aggregate classification.

Illumina Laboratory Services, Illumina
Classification: Likely benign for Breast-ovarian cancer, familial, susceptibility to, 1. Last evaluated: 2017-04-28. Review status: criteria provided, single submitter. Criteria: ICSL Variant Classification Criteria 13 December 2019. Collection method: clinical testing. Allele origin: germline. Not counted in ClinVar's aggregate classification.
Comment: This variant was observed as part of a predisposition screen in an ostensibly healthy population. A literature search was performed for the gene, cDNA change, and amino acid change (where applicable). Publications were found based on this search. The evidence from the literature, in combination with allele frequency data from public databases where available, was sufficient to determine this variant is unlikely to cause disease. Therefore, this variant is classified as likely benign.

Baylor Genetics
Classification: Benign for Familial cancer of breast. Last evaluated: 2017-02-23. Review status: criteria provided, single submitter. Criteria: ACMG Guidelines, 2015. Collection method: clinical testing. Allele origin: germline. Inheritance: Autosomal dominant inheritance. Affected: no. Not counted in ClinVar's aggregate classification.

PreventionGenetics, part of Exact Sciences
Classification: Benign. Last evaluated: 2016-10-03. Review status: criteria provided, single submitter. Criteria: ACMG Guidelines, 2015. Collection method: clinical testing. Allele origin: germline. Not counted in ClinVar's aggregate classification.

Color Diagnostics, LLC DBA Color Health
Classification: Benign for Hereditary cancer-predisposing syndrome. Last evaluated: 2015-10-09. Review status: criteria provided, single submitter. Criteria: ACMG Guidelines, 2015. Collection method: clinical testing. Allele origin: germline. Not counted in ClinVar's aggregate classification.

Ambry Genetics
Classification: Benign for Hereditary cancer-predisposing syndrome. Last evaluated: 2014-11-18. Review status: criteria provided, single submitter. Criteria: Ambry Variant Classification Scheme 2023. Collection method: clinical testing. Allele origin: germline. Not counted in ClinVar's aggregate classification.

Eurofins Ntd Llc (ga)
Classification: Uncertain significance. Last evaluated: 2014-03-17. Review status: criteria provided, single submitter. Criteria: EGL Classification Definitions 2015. Collection method: clinical testing. Allele origin: germline. Observed: 1 variant allele, 1 heterozygote. Not counted in ClinVar's aggregate classification.

Counsyl
Classification: Likely benign for Breast-ovarian cancer, familial 1. Last evaluated: 2014-04-05. Review status: no assertion criteria provided. Collection method: literature only. Allele origin: unknown. Inheritance: Autosomal dominant inheritance. Not counted in ClinVar's aggregate classification.

Sharing Clinical Reports Project (SCRP)
Classification: Benign for Breast-ovarian cancer, familial 1. Last evaluated: 2008-07-29. Review status: no assertion criteria provided. Collection method: clinical testing. Allele origin: germline. Not counted in ClinVar's aggregate classification.

Breast Cancer Information Core (BIC) (BRCA1)
Classification: Uncertain significance for Breast-ovarian cancer, familial 1. Last evaluated: 2002-05-29. Review status: no assertion criteria provided. Collection method: clinical testing. Allele origin: germline. Affected: yes. Observed: 10 variant alleles. Not counted in ClinVar's aggregate classification.

Brotman Baty Institute, University of Washington
No classification provided (evidence only). Condition: Breast-ovarian cancer, familial 1. Review status: no classification provided. Collection method: in vitro. Allele origin: not applicable. Functional consequence: functionally_normal. Not counted in ClinVar's aggregate classification.
ClinVar note: "not provided" was previously submitted as the classification for the variant. However, the classification appeared to be based only on an observation of functional data so it was converted to no classification on 2025-07-30.

Clinical Genetics DNA and cytogenetics Diagnostics Lab, Erasmus MC, Erasmus Medical Center
Classification: Benign. Review status: no assertion criteria provided. Collection method: clinical testing. Allele origin: germline. Affected: yes. Study: VKGL Data-share Consensus. Not counted in ClinVar's aggregate classification.

NM_007294.4(BRCA1):c.81-13C>G

Gene: BRCA1 (BRCA1 DNA repair associated; minus strand). Cytogenetic location: 17q21.31.
Variant type: single nucleotide variant.
Coding change: c.81-13C>G on transcript NM_007294.4 (MANE Select); 13 bases into the intron before coding-DNA position 81, C replaced by G.
Molecular consequence: intron variant.
Genome position (GRCh38, 1-based): chr17:43,115,792, G>C on the plus strand (C>G on the coding strand, the complement: BRCA1 is on the minus strand). VCF-style: chr17-43115792-G-C. GRCh37 (hg19) VCF-style: chr17-41267809-G-C.
Other names: p.?; IVS2-13C>G; c.-61-13C>G (NM_001408458.1, NM_001408470.1, NM_001407848.1 and 47 more transcripts); c.-219+9485C>G (NM_001407967.1); c.-170+9485C>G (NM_001407959.1); c.-7-9259C>G (NM_001407931.1, NM_001407747.1, NM_001408511.1 and 2 more transcripts); c.-223-13C>G (NM_001407962.1, NM_001408512.1, NM_001408510.1 and 1 more transcripts); c.-108-13C>G (NM_001407885.1, NM_001407886.1, NM_001408509.1 and 52 more transcripts); and 12 more.
Identifiers: ClinVar variation 37701 (VCV000037701.59), dbSNP rs56328013, ClinGen allele CA003901.
Genomic context (GRCh38, chr17:43,115,792, plus strand): 5'-AATATGTGGTCACACTTTGTGGAGACAGGTTCCTTGATCAACTCCAGACTAGCAGGGTAG[G>C]GGGGGAGAAAAAGAAAATAAATGAGGCTCAATAATTTATTTAAAAATAAAGCTATTCTTA-3'